The following is an entry in ClinVar:

ClinVar aggregate classification (germline): Benign (1 of 4 stars; one submission).

Allele frequency attached by ClinVar (database versions not stated): 1000 Genomes Project 0.18610; 1000 Genomes Project 30x 0.18707; TOPMed 0.20695; gnomAD 0.20776 and 0.20972.

Submission:

GeneDx
Classification: Benign. Last evaluated: 2018-06-15. Review status: criteria provided, single submitter. Criteria: GeneDx Variant Classification (06012015). Collection method: clinical testing. Allele origin: germline. Affected: yes.
Comment: This variant is considered likely benign or benign based on one or more of the following criteria: it is a conservative change, it occurs at a poorly conserved position in the protein, it is predicted to be benign by multiple in silico algorithms, and/or has population frequency not consistent with disease.

NM_020975.6(RET):c.625+118A>G

Gene: RET (ret proto-oncogene; plus strand). Cytogenetic location: 10q11.21.
Variant type: single nucleotide variant.
Coding change: c.625+118A>G on transcript NM_020975.6 (MANE Select); 118 bases into the intron after coding-DNA position 625, A replaced by G.
Molecular consequence: intron variant.
Genome position (GRCh38, 1-based): chr10:43,102,747, A>G. VCF-style: chr10-43102747-A-G. GRCh37 (hg19) VCF-style: chr10-43598195-A-G.
Other names: c.625+118A>G (NM_020630.7, NM_001406743.1, NM_001406744.1 and 14 more transcripts); c.496+118A>G (NM_001406764.1, NM_001406762.1, NM_001406761.1 and 4 more transcripts); c.337+2025A>G (NM_001406770.1, NM_001406766.1, NM_001406767.1 and 8 more transcripts); c.74-6284A>G (NM_001406784.1); c.74-9352A>G (NM_001406794.1, NM_001406792.1, NM_001406793.1).
Identifiers: ClinVar variation 677057 (VCV000677057.3), dbSNP rs2472739, ClinGen allele CA13188622.